The following is an entry in ClinVar:

NM_000038.6(APC):c.1557A>G (p.Leu519=)

Gene: APC (APC regulator of Wnt signaling pathway; plus strand). Cytogenetic location: 5q22.2.
Variant type: single nucleotide variant.
Coding change: c.1557A>G on transcript NM_000038.6 (MANE Select); coding-DNA position 1557, A replaced by G.
Protein change: p.Leu519=; no amino-acid change (leucine 519 retained).
Molecular consequence: synonymous variant.
Genome position (GRCh38, 1-based): chr5:112,827,937, A>G. VCF-style: chr5-112827937-A-G. GRCh37 (hg19) VCF-style: chr5-112163634-A-G.
Other names: c.1557A>G, p.Leu519= (NM_001127510.3, NM_001354895.2); c.1503A>G, p.Leu501= (NM_001127511.3); c.1611A>G, p.Leu537= (NM_001354896.2); c.1587A>G, p.Leu529= (NM_001354897.2); c.1482A>G, p.Leu494= (NM_001354898.2); c.1473A>G, p.Leu491= (NM_001354899.2); c.1434A>G, p.Leu478= (NM_001354900.2); c.1380A>G, p.Leu460= (NM_001354901.2); and 5 more.
Identifiers: ClinVar variation 183927 (VCV000183927.24), dbSNP rs765537673, ClinGen allele CA005329.

ClinVar aggregate classification (germline): Benign/Likely benign. Review status: criteria provided, multiple submitters, no conflicts (2 of 4 stars). 10 submissions from 10 submitters: Benign (1); Likely benign (8). 1 of the submissions does not count toward it. Last evaluated 2026-01-26.

Conditions:
Hereditary cancer-predisposing syndrome. Also called: Tumor predisposition; Hereditary Cancer Syndrome; Hereditary neoplastic syndrome; Neoplastic Syndromes, Hereditary. Identifiers: Orphanet 140162, MedGen C0027672, MeSH D009386, MONDO:0015356.
Classic or attenuated familial adenomatous polyposis. Identifiers: MedGen CN372698, MONDO:0021057.
Familial adenomatous polyposis 1 (FAP1). Also called: FAMILIAL ADENOMATOUS POLYPOSIS 1, ATTENUATED; POLYPOSIS, ADENOMATOUS INTESTINAL. Identifiers: MedGen C2713442, MONDO:0021056, OMIM 175100. Disease mechanism: loss of function.

Allele frequency attached by ClinVar (database versions not stated): TOPMed 0.00001; ExAC 0.00002; gnomAD exomes 0.00002 and 0.00003; gnomAD 0.00003.
gnomAD v4.1: 44 of 1,612,928 alleles (0.0027%); highest among the groups gnomAD compares: Non-Finnish European, 0.0035%; no homozygotes.

Submissions (10):

Labcorp Genetics (formerly Invitae), Labcorp
Classification: Likely benign for Familial adenomatous polyposis 1. Last evaluated: 2026-01-26. Review status: criteria provided, single submitter. Criteria: Invitae Variant Classification Sherloc (09022015). Collection method: clinical testing. Allele origin: germline.

Women's Health and Genetics/Laboratory Corporation of America, LabCorp
Classification: Likely benign. Last evaluated: 2025-09-14. Review status: criteria provided, single submitter. Criteria: LabCorp Variant Classification Summary - May 2015. Collection method: clinical testing. Allele origin: germline.

Quest Diagnostics Nichols Institute San Juan Capistrano
Classification: Likely benign. Last evaluated: 2025-04-23. Review status: criteria provided, single submitter. Criteria: Quest Diagnostics criteria. Collection method: clinical testing. Allele origin: unknown.

Myriad Genetics, Inc.
Classification: Benign for Familial adenomatous polyposis 1. Last evaluated: 2024-03-07. Review status: criteria provided, single submitter. Criteria: Myriad Autosomal Dominant, Autosomal Recessive and X-Linked Classification Criteria (2023). Collection method: clinical testing. Allele origin: unknown.
Comment: This variant is considered benign. This variant is a silent/synonymous amino acid change and it is not expected to impact splicing.

All of Us Research Program, National Institutes of Health
Classification: Likely benign for Classic or attenuated familial adenomatous polyposis. Last evaluated: 2023-10-27. Review status: criteria provided, single submitter. Criteria: ACMG Guidelines, 2015. Collection method: clinical testing. Allele origin: germline. Inheritance: Autosomal dominant inheritance. Observed: 3 variant alleles, 3 heterozygotes.
Comment: This study involves interpretation of variants in research participants for the purpose of population health screening. Participant phenotype was not available at the time of variant classification. Additional details can be found in publication PMID: 35346344, PMCID: PMC8962531

Sema4
Classification: Likely benign for Hereditary cancer-predisposing syndrome. Last evaluated: 2021-03-12. Review status: criteria provided, single submitter. Criteria: Sema4 Curation Guidelines. Collection method: curation. Allele origin: germline.

Ambry Genetics
Classification: Likely benign for Hereditary cancer-predisposing syndrome. Last evaluated: 2018-05-30. Review status: criteria provided, single submitter. Criteria: Ambry Variant Classification Scheme 2023. Collection method: clinical testing. Allele origin: germline.

PreventionGenetics, part of Exact Sciences
Classification: Likely benign. Last evaluated: 2017-10-10. Review status: criteria provided, single submitter. Criteria: ACMG Guidelines, 2015. Collection method: clinical testing. Allele origin: germline.

Color Diagnostics, LLC DBA Color Health
Classification: Likely benign for Hereditary cancer-predisposing syndrome. Last evaluated: 2016-11-10. Review status: criteria provided, single submitter. Criteria: ACMG Guidelines, 2015. Collection method: clinical testing. Allele origin: germline.

Department of Pathology and Laboratory Medicine, Sinai Health System
Classification: Uncertain significance for Familial adenomatous polyposis 1. Review status: no assertion criteria provided. Collection method: clinical testing. Allele origin: unknown. Affected: yes. Study: The Canadian Open Genetics Repository (COGR). Not counted in ClinVar's aggregate classification.
Comment: The APC p.Leu519= variant was not identified in the literature nor was it identified in the COGR, Cosmic, MutDB, LOVD 3.0, UMD-LSDB, or the Zhejiang University database. The variant was identified in dbSNP (ID: rs765537673) as "With Likely benign allele", and in ClinVar (classified as likely benign by Ambry Genetics, Color Genomics, Invitae). The variant was identified in control databases in 2 of 245600 chromosomes at a frequency of 0.00001 (Genome Aggregation Database Feb 27, 2017). The variant was observed in European population in 2 of 111198 chromosomes (freq: 0.00002), but not in the African, Other, Latino, Ashkenazi Jewish, East Asian, Finnish, and South Asian populations. The p.Leu519= variant is not expected to have clinical significance because it does not result in a change of amino acid and is not located in a known consensus splice site. The variant occurs outside of the splicing consensus sequence and 1 of 5 in silico or computational prediction software programs (SpliceSiteFinder, MaxEntScan, NNSPLICE, GeneSplicer, HumanSpliceFinder) predict a greater than 10% difference in splicing; this is not very predictive of pathogenicity. In summary, based on the above information the clinical significance of this variant cannot be determined with certainty at this time. This variant is classified as a variant of uncertain significance.